The following is an entry in ClinVar:

NM_005633.4(SOS1):c.3860T>C (p.Ile1287Thr)

Gene: SOS1 (SOS Ras/Rac guanine nucleotide exchange factor 1; minus strand). Cytogenetic location: 2p22.1.
Variant type: single nucleotide variant.
Coding change: c.3860T>C on transcript NM_005633.4 (MANE Select); coding-DNA position 3860, T replaced by C.
Protein change: p.Ile1287Thr; replaces isoleucine 1287 with threonine.
Molecular consequence: missense variant.
Genome position (GRCh38, 1-based): chr2:38,985,966, A>G on the plus strand (T>C on the coding strand, the complement: SOS1 is on the minus strand). VCF-style: chr2-38985966-A-G. GRCh37 (hg19) VCF-style: chr2-39213107-A-G.
Other names: c.3839T>C, p.Ile1280Thr (NM_001382394.1); c.3815T>C, p.Ile1272Thr (NM_001382395.1); short protein forms I1272T, I1280T, I1287T.
Identifiers: ClinVar variation 2624968 (VCV002624968.2), dbSNP rs775782359, ClinGen allele CA1624102.
Genomic context (GRCh38, chr2:38,985,966, plus strand): 5'-GGAGGGAGTTTAGGGATATGTTGAGAAGTGCTTTGTCGTGGAGGAACAGGCGGCCCAGCA[A>G]TGGAATGAAGGTCCACTTCTTGTGTCAATGGTGGTGATGGCAGATGCCTTCTTGTGCCGT-3'
Protein context (NP_005624.2, residues 1277-1297): PLTQEVDLHS[Ile1287Thr]AGPPVPPRQS

ClinVar aggregate classification (germline): Uncertain significance (1 of 4 stars; one submission).

Conditions:
Cardiovascular phenotype. Identifiers: MedGen CN230736.

Allele frequency attached by ClinVar (database versions not stated): gnomAD exomes 0.00001; ExAC 0.00002.
gnomAD v4.1: 3 of 1,613,956 alleles (0.00019%); highest among the groups gnomAD compares: Non-Finnish European, 0.00025%; no homozygotes.

Submission:

Ambry Genetics
Classification: Uncertain significance for Cardiovascular phenotype. Last evaluated: 2023-08-24. Review status: criteria provided, single submitter. Criteria: Ambry Variant Classification Scheme 2023. Collection method: clinical testing. Allele origin: germline.
Comment: The p.I1287T variant (also known as c.3860T>C), located in coding exon 23 of the SOS1 gene, results from a T to C substitution at nucleotide position 3860. The isoleucine at codon 1287 is replaced by threonine, an amino acid with similar properties. This amino acid position is not well conserved in available vertebrate species. In addition, this alteration is predicted to be tolerated by in silico analysis. Since supporting evidence is limited at this time, the clinical significance of this alteration remains unclear.